The following is an entry in ClinVar:

NM_000088.4(COL1A1):c.2567_2569del (p.Val856del)

Gene: COL1A1 (collagen type I alpha 1 chain; minus strand). Cytogenetic location: 17q21.33.
Variant type: Deletion.
Coding change: c.2567_2569del on transcript NM_000088.4 (MANE Select); coding-DNA positions 2567 to 2569, 3 bases deleted (TTG; older notation c.2567_2569delTTG).
Protein change: p.Val856del; deletes valine 856.
Molecular consequence: inframe deletion.
Genome position (GRCh38, 1-based): chr17:50,189,903-50,189,905, CAA deleted on the plus strand (TTG on the coding strand, the reverse complement: COL1A1 is on the minus strand); deleting any 3 consecutive bases within chr17:50,189,903-50,189,907 gives the same sequence; the c. name uses the placement nearest the transcript's 3' end. VCF-style (leftmost placement, unchanged base first): chr17-50189902-CCAA-C. GRCh37 (hg19) VCF-style: chr17-48267263-CCAA-C.
Other names: short protein forms V856del.
Identifiers: ClinVar variation 2831903 (VCV002831903.3), dbSNP rs2509187339, ClinGen allele CA2739268243.

ClinVar aggregate classification (germline): Likely pathogenic (1 of 4 stars; one submission).

Conditions:
Osteogenesis imperfecta type I (OI1). Also called: OI, TYPE I; OSTEOGENESIS IMPERFECTA TARDA; OSTEOGENESIS IMPERFECTA WITH BLUE SCLERAE; Osteogenesis imperfecta type 1; Lobstein's Disease; Lobstein disease. Identifiers: Orphanet 216796, Orphanet 666, MedGen C0023931, MONDO:0008146, OMIM 166200. Disease mechanism: loss of function.

Submission:

Labcorp Genetics (formerly Invitae), Labcorp
Classification: Likely pathogenic for Osteogenesis imperfecta type I. Last evaluated: 2023-06-09. Review status: criteria provided, single submitter. Criteria: Invitae Variant Classification Sherloc (09022015). Collection method: clinical testing. Allele origin: germline.
Comment: In summary, the currently available evidence indicates that the variant is pathogenic, but additional data are needed to prove that conclusively. Therefore, this variant has been classified as Likely Pathogenic. This variant, c.2567_2569del, results in the deletion of 1 amino acid(s) of the COL1A1 protein (p.Val856del), but otherwise preserves the integrity of the reading frame. This variant is not present in population databases (gnomAD no frequency). This variant has not been reported in the literature in individuals affected with COL1A1-related conditions. Experimental studies and prediction algorithms are not available or were not evaluated, and the functional significance of this variant is currently unknown. This variant disrupts the triple helix domain of COL1A1. Glycine residues within the Gly-Xaa-Yaa repeats of the triple helix domain are required for the structure and stability of fibrillar collagens (PMID: 7695699, 8218237, 19344236). In COL1A1, variants affecting these glycine residues are significantly enriched in individuals with disease (PMID: 9016532, 17078022) compared to the general population (ExAC).

Literature cited by the submitters: PubMed 7695699; PubMed 8218237; PubMed 19344236; PubMed 9016532; PubMed 17078022.